The following is an entry in ClinVar:

ClinVar aggregate classification (germline): Uncertain significance (1 of 4 stars; one submission).

Conditions:
Pierson syndrome. Also called: MICROCORIA-CONGENITAL NEPHROTIC SYNDROME. Identifiers: Orphanet 2670, MedGen C1836876, MONDO:0012184, OMIM 609049.
LAMB2-related infantile-onset nephrotic syndrome. Also called: NEPHROTIC SYNDROME, TYPE 5, WITHOUT OCULAR ABNORMALITIES; NEPHROTIC SYNDROME, TYPE 5, WITH OCULAR ABNORMALITIES; Nephrotic Syndrome, type 5. Identifiers: Orphanet 306507, MedGen C3280113, MONDO:0013621, OMIM 614199.

gnomAD v4.1: 3 of 1,613,944 alleles (0.00019%); highest among the groups gnomAD compares: Admixed American, 0.0017%; no homozygotes.

Submission:

Labcorp Genetics (formerly Invitae), Labcorp
Classification: Uncertain significance for LAMB2-related infantile-onset nephrotic syndrome; Pierson syndrome. Last evaluated: 2026-01-13. Review status: criteria provided, single submitter. Criteria: Invitae Variant Classification Sherloc (09022015). Collection method: clinical testing. Allele origin: germline.
Comment: This sequence change replaces proline, which is neutral and non-polar, with leucine, which is neutral and non-polar, at codon 37 of the LAMB2 protein (p.Pro37Leu). This variant is present in population databases (rs760185781, gnomAD 0.01%), including at least one homozygous and/or hemizygous individual. This variant has not been reported in the literature in individuals affected with LAMB2-related conditions. An algorithm developed to predict the effect of missense changes on protein structure and function outputs the following: PolyPhen-2: "Benign". The leucine amino acid residue is found in multiple mammalian species, which suggests that this missense change does not adversely affect protein function. In summary, the available evidence is currently insufficient to determine the role of this variant in disease. Therefore, it has been classified as a Variant of Uncertain Significance.

NM_002292.4(LAMB2):c.110C>T (p.Pro37Leu)

Gene: LAMB2 (laminin subunit beta 2; minus strand). Cytogenetic location: 3p21.31.
Variant type: single nucleotide variant.
Coding change: c.110C>T on transcript NM_002292.4 (MANE Select); coding-DNA position 110, C replaced by T.
Protein change: p.Pro37Leu; replaces proline 37 with leucine.
Molecular consequence: missense variant.
Genome position (GRCh38, 1-based): chr3:49,132,630, G>A on the plus strand (C>T on the coding strand, the complement: LAMB2 is on the minus strand). VCF-style: chr3-49132630-G-A. GRCh37 (hg19) VCF-style: chr3-49170063-G-A.
Other names: short protein forms P37L.
Identifiers: ClinVar variation 4791290 (VCV004791290.1).
Genomic context (GRCh38, chr3:49,132,630, plus strand): 5'-CCCACCAGCAGGTCGCCCGTGGCGGGGTAGCAGCTTCCCCTGGAACAGCCAGGCACATCC[G>A]GGGCAGGGGCCTGTGCCAGTGTGGCAGCCAGCACTGGGGACAGTAGCTCAGTCAGTTCCG-3'
Protein context (NP_002283.3, residues 27-47): LAATLAQAPA[Pro37Leu]DVPGCSRGSC